The following is an entry in ClinVar:

NM_000440.3(PDE6A):c.1745G>A (p.Arg582His)

Gene: PDE6A (phosphodiesterase 6A; minus strand). Cytogenetic location: 5q32.
Variant type: single nucleotide variant.
Coding change: c.1745G>A on transcript NM_000440.3 (MANE Select); coding-DNA position 1745, G replaced by A.
Protein change: p.Arg582His; replaces arginine 582 with histidine.
Molecular consequence: missense variant.
Genome position (GRCh38, 1-based): chr5:149,886,358, C>T on the plus strand (G>A on the coding strand, the complement: PDE6A is on the minus strand). VCF-style: chr5-149886358-C-T. GRCh37 (hg19) VCF-style: chr5-149265921-C-T.
Other names: short protein forms R582H.
Identifiers: ClinVar variation 351986 (VCV000351986.15), dbSNP rs77760924, ClinGen allele CA3504547.

ClinVar aggregate classification (germline): Conflicting classifications of pathogenicity. Review status: criteria provided, conflicting classifications (1 of 4 stars). 5 submissions from 5 submitters: Uncertain significance (3); Likely benign (2). Last evaluated 2026-06-23.

Conditions:
PDE6A-related disorder. Also called: PDE6A-related condition.
Retinal dystrophy. Also called: Inherited retinal dystrophy. Identifiers: Orphanet 71862, MedGen C0854723, MeSH D058499, MONDO:0019118, HP:0000556.
Retinitis pigmentosa (RP). Identifiers: Orphanet 791, MedGen C0035334, MeSH D012174, MONDO:0019200, OMIM 268000. Inheritance: Autosomal dominant, autosomal recessive and X linked inheritance.

Allele frequency attached by ClinVar (database versions not stated): gnomAD 0.00009 and 0.00012; TOPMed 0.00013; ESP Exome Variant Server 0.00015; 1000 Genomes Project 30x 0.00062; 1000 Genomes Project 0.00080.
gnomAD v4.1: 231 of 1,613,854 alleles (0.014%); highest among the groups gnomAD compares: East Asian, 0.28%; 3 homozygotes.

Submissions (5):

PreventionGenetics, part of Exact Sciences
Classification: Likely benign for PDE6A-related condition. Last evaluated: 2026-06-23. Review status: criteria provided, single submitter. Criteria: ACMG Guidelines, 2015. Collection method: clinical testing. Allele origin: germline.
Comment: This variant is classified as likely benign based on ACMG/AMP sequence variant interpretation guidelines (Richards et al. 2015 PMID: 25741868, with internal and published modifications).

Labcorp Genetics (formerly Invitae), Labcorp
Classification: Likely benign. Last evaluated: 2026-01-21. Review status: criteria provided, single submitter. Criteria: Invitae Variant Classification Sherloc (09022015). Collection method: clinical testing. Allele origin: germline.

Blueprint Genetics
Classification: Uncertain significance. Last evaluated: 2024-09-03. Review status: criteria provided, single submitter. Criteria: ACMG Guidelines, 2015. Collection method: clinical testing. Allele origin: germline.

Dept Of Ophthalmology, Nagoya University
Classification: Uncertain significance for Retinal dystrophy. Last evaluated: 2023-10-01. Review status: criteria provided, single submitter. Criteria: Submitter's publication. Collection method: research. Allele origin: germline. Affected: yes.

Illumina Laboratory Services, Illumina
Classification: Uncertain significance for Retinitis pigmentosa. Last evaluated: 2018-01-13. Review status: criteria provided, single submitter. Criteria: ICSL Variant Classification Criteria 13 December 2019. Collection method: clinical testing. Allele origin: germline.